The following is an entry in ClinVar:

NM_014363.6(SACS):c.7182A>G (p.Ser2394=)

Gene: SACS (sacsin molecular chaperone; minus strand). Cytogenetic location: 13q12.12.
Variant type: single nucleotide variant.
Coding change: c.7182A>G on transcript NM_014363.6 (MANE Select); coding-DNA position 7182, A replaced by G.
Protein change: p.Ser2394=; no amino-acid change (serine 2394 retained).
Molecular consequence: synonymous variant.
Genome position (GRCh38, 1-based): chr13:23,336,694, T>C on the plus strand (A>G on the coding strand, the complement: SACS is on the minus strand). VCF-style: chr13-23336694-T-C. GRCh37 (hg19) VCF-style: chr13-23910833-T-C.
Other names: c.6741A>G, p.Ser2247= (NM_001278055.2).
Identifiers: ClinVar variation 739153 (VCV000739153.12), dbSNP rs768013904, ClinGen allele CA6910956.

ClinVar aggregate classification (germline): Likely benign. Review status: criteria provided, single submitter (1 of 4 stars). 2 submissions from 2 submitters: Likely benign (1). 1 of the submissions does not count toward it. Last evaluated 2024-03-03.

Conditions:
Spastic paraplegia. Identifiers: MedGen C0037772, HP:0001258.
SACS-related disorder. Also called: SACS-related condition.

Allele frequency attached by ClinVar (database versions not stated): gnomAD exomes 0.00002 and 0.00003; ExAC 0.00001; TOPMed 0.00003; gnomAD 0.00001.
gnomAD v4.1: 49 of 1,613,816 alleles (0.003%); highest among the groups gnomAD compares: Non-Finnish European, 0.0038%; no homozygotes.

Submissions (2):

Labcorp Genetics (formerly Invitae), Labcorp
Classification: Likely benign for Spastic paraplegia. Last evaluated: 2024-03-03. Review status: criteria provided, single submitter. Criteria: Invitae Variant Classification Sherloc (09022015). Collection method: clinical testing. Allele origin: germline.

PreventionGenetics, part of Exact Sciences
Classification: Likely benign for SACS-related condition. Last evaluated: 2019-08-26. Review status: no assertion criteria provided. Collection method: clinical testing. Allele origin: germline. Not counted in ClinVar's aggregate classification.
Comment: This variant is classified as likely benign based on ACMG/AMP sequence variant interpretation guidelines (Richards et al. 2015 PMID: 25741868, with internal and published modifications).